The following is an entry in ClinVar:

ClinVar aggregate classification (germline): Benign. Review status: criteria provided, multiple submitters, no conflicts (2 of 4 stars). 2 submissions from 2 submitters: Benign (2). Last evaluated 2018-02-05.

Allele frequency attached by ClinVar (database versions not stated): gnomAD exomes 0.00050 and 0.00079; ExAC 0.00055; gnomAD 0.00890 and 0.00949; 1000 Genomes Project 0.00919; TOPMed 0.00985; 1000 Genomes Project 30x 0.01046.
gnomAD v4.1: 2,405 of 1,416,890 alleles (0.17%); highest among the groups gnomAD compares: African/African-American, 3%; 27 homozygotes.

Submissions (2):

GeneDx
Classification: Benign. Last evaluated: 2018-02-05. Review status: criteria provided, single submitter. Criteria: GeneDx Variant Classification (06012015). Collection method: clinical testing. Allele origin: germline. Affected: yes.
Comment: This variant is considered likely benign or benign based on one or more of the following criteria: it is a conservative change, it occurs at a poorly conserved position in the protein, it is predicted to be benign by multiple in silico algorithms, and/or has population frequency not consistent with disease.

Eurofins Ntd Llc (ga)
Classification: Benign. Last evaluated: 2016-10-18. Review status: criteria provided, single submitter. Criteria: EGL Classification Definitions 2015. Collection method: clinical testing. Allele origin: germline. Observed: 1 variant allele, 1 heterozygote.

NM_147127.5(EVC2):c.-19T>C

Gene: EVC2 (EvC ciliary complex subunit 2; minus strand). Cytogenetic location: 4p16.2.
Variant type: single nucleotide variant.
Coding change: c.-19T>C on transcript NM_147127.5 (MANE Select); 19 bases upstream of the start codon, T replaced by C.
Molecular consequence: 5 prime UTR variant. On other transcripts: intron variant (1).
Genome position (GRCh38, 1-based): chr4:5,708,532, A>G on the plus strand (T>C on the coding strand, the complement: EVC2 is on the minus strand). VCF-style: chr4-5708532-A-G. GRCh37 (hg19) VCF-style: chr4-5710259-A-G.
Other names: c.-13+297T>C (NM_001166136.2).
Identifiers: ClinVar variation 349100 (VCV000349100.11), dbSNP rs188508515, ClinGen allele CA2835563.
Genomic context (GRCh38, chr4:5,708,532, plus strand): 5'-CAGCACCCACGTGGGGCGCCCCCGGGAGCCCGAGGGGTCCATCGCCTGTCGGGACCCGCT[A>G]CCTCAAAGCGGCGGGTGCCGCCGAGTCGCTGGAGCTTCCGGACCCCAGGCCCGCCCCGCC-3'